The following is an entry in ClinVar:

NM_001287.6(CLCN7):c.2188G>A (p.Glu730Lys)

Gene: CLCN7 (Cl-/H+ antiporter 7; minus strand). Cytogenetic location: 16p13.3.
Variant type: single nucleotide variant.
Coding change: c.2188G>A on transcript NM_001287.6 (MANE Select); coding-DNA position 2188, G replaced by A.
Protein change: p.Glu730Lys; replaces glutamic acid 730 with lysine.
Molecular consequence: missense variant.
Genome position (GRCh38, 1-based): chr16:1,447,454, C>T on the plus strand (G>A on the coding strand, the complement: CLCN7 is on the minus strand). VCF-style: chr16-1447454-C-T. GRCh37 (hg19) VCF-style: chr16-1497455-C-T.
Other names: c.2116G>A, p.Glu706Lys (NM_001114331.3); c.2188G>A (NM_001287.4); short protein forms E706K, E730K.
Identifiers: ClinVar variation 1445897 (VCV001445897.9), dbSNP rs937106092, ClinGen allele CA276668043.
Genomic context (GRCh38, chr16:1,447,454, plus strand): 5'-GGGGCACCGTGTAGGGGGAGGGGTTCATGAACTCGGAGAGGTCCATGGTGCACTCCCGCT[C>T]GTCCTGGGACACGTGGATGGACTGGATGGGTGGGAAGCGCGGGTAGGCGTCTCGGAAGTC-3'
Protein context (NP_001278.1, residues 720-740): PIQSIHVSQD[Glu730Lys]RECTMDLSEF

ClinVar aggregate classification (germline): Uncertain significance. Review status: criteria provided, multiple submitters, no conflicts (2 of 4 stars). 2 submissions from 2 submitters: Uncertain significance (2). Last evaluated 2026-01-21.

Conditions:
Inborn genetic diseases. Identifiers: MedGen C0950123, MeSH D030342.

Allele frequency attached by ClinVar (database versions not stated): gnomAD exomes below 0.00001; gnomAD 0.00002; TOPMed 0.00002.
gnomAD v4.1: 7 of 1,552,416 alleles (0.00045%); highest among the groups gnomAD compares: Non-Finnish European, 0.00061%; no homozygotes.

Submissions (2):

Ambry Genetics
Classification: Uncertain significance for Inborn genetic diseases. Last evaluated: 2026-01-21. Review status: criteria provided, single submitter. Criteria: Ambry Variant Classification Scheme 2023. Collection method: clinical testing. Allele origin: germline.

Labcorp Genetics (formerly Invitae), Labcorp
Classification: Uncertain significance. Last evaluated: 2025-04-04. Review status: criteria provided, single submitter. Criteria: Invitae Variant Classification Sherloc (09022015). Collection method: clinical testing. Allele origin: germline.
Comment: This sequence change replaces glutamic acid, which is acidic and polar, with lysine, which is basic and polar, at codon 730 of the CLCN7 protein (p.Glu730Lys). This variant is not present in population databases (gnomAD no frequency). This variant has not been reported in the literature in individuals affected with CLCN7-related conditions. ClinVar contains an entry for this variant (Variation ID: 1445897). Invitae Evidence Modeling of protein sequence and biophysical properties (such as structural, functional, and spatial information, amino acid conservation, physicochemical variation, residue mobility, and thermodynamic stability) indicates that this missense variant is not expected to disrupt CLCN7 protein function with a negative predictive value of 95%. In summary, the available evidence is currently insufficient to determine the role of this variant in disease. Therefore, it has been classified as a Variant of Uncertain Significance.